The following is an entry in ClinVar:

NM_006019.4(TCIRG1):c.968G>A (p.Trp323Ter)

Gene: TCIRG1 (T cell immune regulator 1, ATPase H+ transporting V0 subunit a3; plus strand). Cytogenetic location: 11q13.2.
Variant type: single nucleotide variant.
Coding change: c.968G>A on transcript NM_006019.4 (MANE Select); coding-DNA position 968, G replaced by A.
Protein change: p.Trp323Ter; replaces tryptophan 323 with a stop codon.
Molecular consequence: nonsense.
Genome position (GRCh38, 1-based): chr11:68,044,292, G>A. VCF-style: chr11-68044292-G-A. GRCh37 (hg19) VCF-style: chr11-67811759-G-A.
Other names: c.74G>A, p.Trp25Ter (NM_001351059.2); c.320G>A, p.Trp107Ter (NM_006053.4); c.968G>A (NM_006019.3); short protein forms W107*, W25*, W323*.
Identifiers: ClinVar variation 2679117 (VCV002679117.5), dbSNP rs1327818531, ClinGen allele CA381580757.

ClinVar aggregate classification (germline): Pathogenic/Likely pathogenic. Review status: criteria provided, multiple submitters, no conflicts (2 of 4 stars). 3 submissions from 3 submitters: Pathogenic (1); Likely pathogenic (2). Last evaluated 2024-06-20.

Conditions:
Autosomal recessive osteopetrosis 1. Also called: ALBERS-SCHONBERG DISEASE, AUTOSOMAL RECESSIVE; TCIRG1-Related Autosomal Recessive Osteopetrosis; TCIRG1-Related Osteopetrosis. Identifiers: Orphanet 667, MedGen C1850127, MONDO:0009815, OMIM 259700.

Allele frequency attached by ClinVar (database versions not stated): gnomAD exomes below 0.00001; TOPMed below 0.00001; gnomAD 0.00001.
gnomAD v4.1: 2 of 1,604,954 alleles (0.00012%); highest among the groups gnomAD compares: Non-Finnish European, 0.00017%; no homozygotes.

Submissions (3):

Natera, Inc.
Classification: Likely pathogenic for Infantile malignant osteopetrosis. Last evaluated: 2024-06-20. Review status: criteria provided, single submitter. Criteria: Natera Variant Classification Schema (03/2026). Collection method: clinical testing. Allele origin: germline.
Comment: The c.968G>A variant in TCIRG1 is a nonsense variant predicted to introduce a stop codon at amino acid 323. This variant is expected to result in nonsense mediated decay, truncation, or a dysfunctional protein product. This variant is rare in the general population with a frequency below the threshold expected for the associated phenotype(s). Given the available evidence, this variant is classified as Likely Pathogenic.

Labcorp Genetics (formerly Invitae), Labcorp
Classification: Pathogenic. Last evaluated: 2024-03-16. Review status: criteria provided, single submitter. Criteria: Invitae Variant Classification Sherloc (09022015). Collection method: clinical testing. Allele origin: germline.
Comment: This sequence change creates a premature translational stop signal (p.Trp323*) in the TCIRG1 gene. It is expected to result in an absent or disrupted protein product. Loss-of-function variants in TCIRG1 are known to be pathogenic (PMID: 10888887, 10942435, 11532986, 19448635). This variant is not present in population databases (gnomAD no frequency). This variant has not been reported in the literature in individuals affected with TCIRG1-related conditions. For these reasons, this variant has been classified as Pathogenic.

Baylor Genetics
Classification: Likely pathogenic for Autosomal recessive osteopetrosis 1. Last evaluated: 2023-07-03. Review status: criteria provided, single submitter. Criteria: ACMG Guidelines, 2015. Collection method: clinical testing. Allele origin: unknown.

Literature cited by the submitters: PubMed 10888887 (cited by Labcorp Genetics (formerly Invitae), Labcorp); PubMed 10942435 (cited by Labcorp Genetics (formerly Invitae), Labcorp); PubMed 11532986 (cited by Labcorp Genetics (formerly Invitae), Labcorp); PubMed 19448635 (cited by Labcorp Genetics (formerly Invitae), Labcorp).